The following is an entry in ClinVar:

NM_001297.5(CNGB1):c.118del (p.Glu40fs)

Gene: CNGB1 (cyclic nucleotide gated channel subunit beta 1; minus strand). Cytogenetic location: 16q21.
Variant type: Deletion.
Coding change: c.118del on transcript NM_001297.5 (MANE Select); coding-DNA position 118, one base deleted (G; older notation c.118delG).
Protein change: p.Glu40fs; shifts the reading frame from glutamic acid 40.
Molecular consequence: frameshift variant.
Genome position (GRCh38, 1-based): chr16:57,967,169, C deleted on the plus strand (G on the coding strand, the reverse complement: CNGB1 is on the minus strand). VCF-style (leftmost placement, unchanged base first): chr16-57967168-TC-T. GRCh37 (hg19) VCF-style: chr16-58001072-TC-T.
Other names: c.118delG (NM_001297.4); c.118del, p.Glu40fs (NM_001135639.2, NM_001286130.2); short protein forms E40fs.
Identifiers: ClinVar variation 1456620 (VCV001456620.8), dbSNP rs1351453184, ClinGen allele CA622688095.

ClinVar aggregate classification (germline): Pathogenic/Likely pathogenic. Review status: criteria provided, multiple submitters, no conflicts (2 of 4 stars). 2 submissions from 2 submitters: Pathogenic (1); Likely pathogenic (1). Last evaluated 2025-12-15.

Conditions:
CNGB1-related disorder. Also called: CNGB1-related condition.

Allele frequency attached by ClinVar (database versions not stated): gnomAD exomes below 0.00001; TOPMed below 0.00001; gnomAD 0.00001.

Submissions (2):

PreventionGenetics, part of Exact Sciences
Classification: Likely pathogenic for CNGB1-related condition. Last evaluated: 2025-12-15. Review status: criteria provided, single submitter. Criteria: ACMG Guidelines, 2015. Collection method: clinical testing. Allele origin: germline.
Comment: The CNGB1 c.118delG variant is predicted to result in a frameshift and premature protein termination (p.Glu40Asnfs*56). To our knowledge, this variant has not been previously reported in the literature in association with disease. This variant is reported in 0.00088% of alleles in individuals of European (Non-Finnish) descent in gnomAD. Frameshift variants in CNGB1 are expected to be pathogenic. This variant is interpreted as likely pathogenic.

Labcorp Genetics (formerly Invitae), Labcorp
Classification: Pathogenic. Last evaluated: 2022-03-10. Review status: criteria provided, single submitter. Criteria: Invitae Variant Classification Sherloc (09022015). Collection method: clinical testing. Allele origin: germline.
Comment: This variant has not been reported in the literature in individuals affected with CNGB1-related conditions. For these reasons, this variant has been classified as Pathogenic. This variant is present in population databases (no rsID available, gnomAD 0.0009%). This sequence change creates a premature translational stop signal (p.Glu40Asnfs*56) in the CNGB1 gene. It is expected to result in an absent or disrupted protein product. Loss-of-function variants in CNGB1 are known to be pathogenic (PMID: 15557452, 24043777).

Literature cited by the submitters: PubMed 15557452 (cited by Labcorp Genetics (formerly Invitae), Labcorp); PubMed 24043777 (cited by Labcorp Genetics (formerly Invitae), Labcorp).